The following is an entry in ClinVar:

ClinVar aggregate classification (germline): Uncertain significance (1 of 4 stars; one submission).

Submission:

GeneDx
Classification: Uncertain significance. Last evaluated: 2024-10-14. Review status: criteria provided, single submitter. Criteria: GeneDx Variant Classification Process June 2021. Collection method: clinical testing. Allele origin: germline. Affected: yes.
Comment: Not observed at significant frequency in large population cohorts (gnomAD); In silico analysis supports that this missense variant has a deleterious effect on protein structure/function; Has not been previously published as pathogenic or benign to our knowledge

NM_020922.5(WNK3):c.1168A>C (p.Lys390Gln)

Gene: WNK3 (WNK lysine deficient protein kinase 3; minus strand). Cytogenetic location: Xp11.22.
Variant type: single nucleotide variant.
Coding change: c.1168A>C on transcript NM_020922.5 (MANE Select); coding-DNA position 1168, A replaced by C.
Protein change: p.Lys390Gln; replaces lysine 390 with glutamine.
Molecular consequence: missense variant.
Genome position (GRCh38, 1-based): chrX:54,301,781, T>G on the plus strand (A>C on the coding strand, the complement: WNK3 is on the minus strand). VCF-style: chrX-54301781-T-G. GRCh37 (hg19) VCF-style: chrX-54328214-T-G.
Other names: c.1168A>C, p.Lys390Gln (NM_001002838.4, NM_001395166.1); short protein forms K390Q.
Identifiers: ClinVar variation 3777375 (VCV003777375.1).